The following is an entry in ClinVar:

NM_024496.4(IRF2BPL):c.1765_1779del (p.Pro589_Ala593del)

Gene: IRF2BPL (interferon regulatory factor 2 binding protein like; minus strand). Cytogenetic location: 14q24.3.
Variant type: Deletion.
Coding change: c.1765_1779del on transcript NM_024496.4 (MANE Select); coding-DNA positions 1765 to 1779, 15 bases deleted (CCGGGGCACGCGGCG).
Protein change: p.Pro589_Ala593del.
Molecular consequence: inframe deletion.
Genome position (GRCh38, 1-based): chr14:77,026,014-77,026,028, CGCCGCGTGCCCCGG deleted on the plus strand (CCGGGGCACGCGGCG on the coding strand, the reverse complement: IRF2BPL is on the minus strand); deleting any 15 consecutive bases within chr14:77,026,014-77,026,035 gives the same sequence; the c. name uses the placement nearest the transcript's 3' end. VCF-style (leftmost placement, unchanged base first): chr14-77026013-CCGCCGCGTGCCCCGG-C. GRCh37 (hg19) VCF-style: chr14-77492356-CCGCCGCGTGCCCCGG-C.
Identifiers: ClinVar variation 2573789 (VCV002573789.1), dbSNP rs1885103810, ClinGen allele CA964904430.

ClinVar aggregate classification (germline): Uncertain significance (1 of 4 stars; one submission).

Submission:

GeneDx
Classification: Uncertain significance. Last evaluated: 2023-01-23. Review status: criteria provided, single submitter. Criteria: GeneDx Variant Classification Process June 2021. Collection method: clinical testing. Allele origin: germline. Affected: yes.
Comment: Not observed at significant frequency in large population cohorts (gnomAD); In-frame deletion of 5 amino acids in a non-repeat region; In silico analysis supports that this variant does not alter protein structure/function; Has not been previously published as pathogenic or benign to our knowledge